The following is an entry in ClinVar:

ClinVar aggregate classification (germline): Pathogenic (1 of 4 stars; one submission).

Conditions:
Ornithine carbamoyltransferase deficiency (OTCD). Also called: OTC DEFICIENCY; ORNITHINE TRANSCARBAMYLASE DEFICIENCY; ORNITHINE TRANSCARBAMYLASE DEFICIENCY, HYPERAMMONEMIA DUE TO; Ornithine Carbamoyltransferase Deficiency Disease. Identifiers: Orphanet 664, MedGen C0268542, MONDO:0010703, OMIM 311250.

Submission:

Labcorp Genetics (formerly Invitae), Labcorp
Classification: Pathogenic for Ornithine carbamoyltransferase deficiency. Last evaluated: 2020-09-04. Review status: criteria provided, single submitter. Criteria: Invitae Variant Classification Sherloc (09022015). Collection method: clinical testing. Allele origin: germline.
Comment: This sequence change creates a premature translational stop signal (p.Tyr143*) in the OTC gene. It is expected to result in an absent or disrupted protein product. This variant is not present in population databases (ExAC no frequency). For these reasons, this variant has been classified as Pathogenic. Loss-of-function variants in OTC are known to be pathogenic (PMID: 10946359, 16786505). This variant has been observed in an individual with ornithine transcarbamylase deficiency (PMID: 23551631).

Literature cited by the submitters: PubMed 10946359; PubMed 16786505; PubMed 23551631.

NM_000531.6(OTC):c.429T>A (p.Tyr143Ter)

Gene: OTC (ornithine transcarbamylase; plus strand). Cytogenetic location: Xp11.4.
Variant type: single nucleotide variant.
Coding change: c.429T>A on transcript NM_000531.6 (MANE Select); coding-DNA position 429, T replaced by A.
Protein change: p.Tyr143Ter; replaces tyrosine 143 with a stop codon.
Molecular consequence: nonsense.
Genome position (GRCh38, 1-based): chrX:38,401,317, T>A. VCF-style: chrX-38401317-T-A. GRCh37 (hg19) VCF-style: chrX-38260570-T-A.
Other names: short protein forms Y143*.
Identifiers: ClinVar variation 1072591 (VCV001072591.9), dbSNP rs145777402, ClinGen allele CA412723166.